The following is an entry in ClinVar:

NM_017909.4(RMND1):c.689+295C>T

Gene: RMND1 (required for meiotic nuclear division 1 homolog; minus strand). Cytogenetic location: 6q25.1.
Variant type: single nucleotide variant.
Coding change: c.689+295C>T on transcript NM_017909.4 (MANE Select); 295 bases into the intron after coding-DNA position 689, C replaced by T.
Molecular consequence: intron variant.
Genome position (GRCh38, 1-based): chr6:151,432,860, G>A on the plus strand (C>T on the coding strand, the complement: RMND1 is on the minus strand). VCF-style: chr6-151432860-G-A. GRCh37 (hg19) VCF-style: chr6-151753995-G-A.
Other names: c.179+295C>T (NM_001271937.2).
Identifiers: ClinVar variation 674150 (VCV000674150.1), dbSNP rs114289272, ClinGen allele CA150117432.
Genomic context (GRCh38, chr6:151,432,860, plus strand): 5'-GGGAGGTAGCGGGAGTTTCCCTGGGGCAGGAGTCTGACAAGGGGCACTAAAGATGAATGG[G>A]AAATTGGCTGCTTTCCAGAAATTTAGTCCATGAAAATCCGAATTTACAAAGAAAGACACC-3'

ClinVar aggregate classification (germline): Likely benign (1 of 4 stars; one submission).

Allele frequency attached by ClinVar (database versions not stated): 1000 Genomes Project 0.00719; gnomAD 0.00798 and 0.00859; 1000 Genomes Project 30x 0.00859; TOPMed 0.00876.
gnomAD v4.1: 1,211 of 152,202 alleles (0.8%); highest among the groups gnomAD compares: African/African-American, 2.5%; 16 homozygotes.

Submission:

GeneDx
Classification: Likely benign. Last evaluated: 2018-06-19. Review status: criteria provided, single submitter. Criteria: GeneDx Variant Classification (06012015). Collection method: clinical testing. Allele origin: germline. Affected: yes.
Comment: This variant is considered likely benign or benign based on one or more of the following criteria: it is a conservative change, it occurs at a poorly conserved position in the protein, it is predicted to be benign by multiple in silico algorithms, and/or has population frequency not consistent with disease.